The following is an entry in ClinVar:

NM_000492.4(CFTR):c.4004T>C (p.Leu1335Pro)

Gene: CFTR (CF transmembrane conductance regulator; plus strand). Cytogenetic location: 7q31.2.
Variant type: single nucleotide variant.
Coding change: c.4004T>C on transcript NM_000492.4 (MANE Select); coding-DNA position 4004, T replaced by C.
Protein change: p.Leu1335Pro; replaces leucine 1335 with proline.
Molecular consequence: missense variant.
Genome position (GRCh38, 1-based): chr7:117,664,728, T>C. VCF-style: chr7-117664728-T-C. GRCh37 (hg19) VCF-style: chr7-117304782-T-C.
Other names: short protein forms L1335P.
Identifiers: ClinVar variation 53872 (VCV000053872.28), dbSNP rs397508658, ClinGen allele CA327378.

ClinVar aggregate classification (germline): Pathogenic. Review status: reviewed by expert panel (3 of 4 stars). 12 submissions from 11 submitters: Pathogenic (1). 11 of the submissions do not count toward it. Last evaluated 2017-12-08.

Conditions:
CFTR-related disorder (CFTR-RD). Also called: CFTR-related condition; CFTR-related disorders. Identifiers: MedGen C5924204, MONDO:7770004.
Bronchiectasis with or without elevated sweat chloride 1 (BESC1). Also called: Cystic Fibrosis-Like Syndrome. Identifiers: Orphanet 60033, MedGen C2749757, MONDO:0008887, OMIM 211400.
Congenital bilateral aplasia of vas deferens from CFTR mutation (CBAVD). Identifiers: Orphanet 48, MedGen C0403814, MONDO:0010178, OMIM 277180. Disease mechanism: loss of function.
Cystic fibrosis (CF). Also called: MUCOVISCIDOSIS. Identifiers: Orphanet 586, MedGen C0010674, MONDO:0009061, OMIM 219700. Disease mechanism: loss of function.
Hereditary pancreatitis (PCTT). Also called: PRSS1-Related Hereditary Pancreatitis; Hereditary chronic pancreatitis. Identifiers: Orphanet 676, MedGen C0238339, MONDO:0008185, OMIM 167800.

Allele frequency attached by ClinVar (database versions not stated): gnomAD exomes below 0.00001.
gnomAD v4.1: 5 of 1,614,066 alleles (0.00031%); highest among the groups gnomAD compares: Non-Finnish European, 0.00034%; no homozygotes.

Submissions (12):

CFTR2
Classification: Pathogenic for Cystic fibrosis. Last evaluated: 2017-12-08. Review status: reviewed by expert panel. Criteria: Sosnay PR et al. (Nat Genet 2013). Collection method: research. Allele origin: germline. Affected: yes.

Natera, Inc.
Classification: Pathogenic for CFTR-related disorders. Last evaluated: 2025-06-17. Review status: criteria provided, single submitter. Criteria: Natera Variant Classification Schema (03/2026). Collection method: clinical testing. Allele origin: germline. Not counted in ClinVar's aggregate classification.
Comment: The c.4004T>C variant in CFTR is a missense variant predicted to cause substitution of leucine to proline at amino acid 1335. This variant is rare in the general population with a frequency below the threshold expected for the associated phenotype(s). This variant has been observed in one or more individuals affected with the associated recessive disease, as either homozygous or compound heterozygous with a second variant (PMID: 30548586). Computational prediction algorithms indicate this variant is likely to affect gene or protein function. Given the available evidence, this variant is classified as Pathogenic.

Ambry Genetics
Classification: Pathogenic for Cystic fibrosis. Last evaluated: 2025-01-14. Review status: criteria provided, single submitter. Criteria: Ambry Variant Classification Scheme 2023. Collection method: clinical testing. Allele origin: germline. Not counted in ClinVar's aggregate classification.
Comment: The p.L1335P pathogenic mutation (also known as c.4004T>C), located in coding exon 25 of the CFTR gene, results from a T to C substitution at nucleotide position 4004. The leucine at codon 1335 is replaced by proline, an amino acid with similar properties. This alteration was identified in two pancreatic sufficient individuals diagnosed with cystic fibrosis (CF) in conjunction with p.F508del (Rose JB et al. Clin. Biochem., 2009 Aug;42:1260-4; Ivanov M et al. BMC Med Genomics, 2018 02;11:13). It has also been reported in cohorts of individuals with CF; however, specific genotype and phenotype information was not provided (Scotet V et al. Hum. Mutat., 2003 Jul;22:105; Ahmed N et al. Gut, 2003 Aug;52:1159-64; Kenkov&aacute; P et al. J. Cyst. Fibros., 2013 Sep;12:532-7). Functional analysis of this variant in CFBE cells demonstrated 2% activity compared to wild type (Raraigh KS et al. Am. J. Hum. Genet., 2018 06;102:1062-1077). Based on the supporting evidence, this alteration is interpreted as a disease-causing mutation.

Labcorp Genetics (formerly Invitae), Labcorp
Classification: Pathogenic for Cystic fibrosis. Last evaluated: 2024-06-02. Review status: criteria provided, single submitter. Criteria: Invitae Variant Classification Sherloc (09022015). Collection method: clinical testing. Allele origin: germline. Not counted in ClinVar's aggregate classification.
Comment: This sequence change replaces leucine, which is neutral and non-polar, with proline, which is neutral and non-polar, at codon 1335 of the CFTR protein (p.Leu1335Pro). This variant is not present in population databases (gnomAD no frequency). This missense change has been observed in individuals with cystic fibrosis (PMID: 19445912, 23974870, 29504914). ClinVar contains an entry for this variant (Variation ID: 53872). Advanced modeling of protein sequence and biophysical properties (such as structural, functional, and spatial information, amino acid conservation, physicochemical variation, residue mobility, and thermodynamic stability) performed at Invitae indicates that this missense variant is expected to disrupt CFTR protein function with a positive predictive value of 80%. Experimental studies have shown that this missense change affects CFTR function (PMID: 29805046). For these reasons, this variant has been classified as Pathogenic.

Fulgent Genetics
Classification: Pathogenic for Hereditary pancreatitis; Bronchiectasis with or without elevated sweat chloride 1; Cystic fibrosis; Congenital bilateral aplasia of vas deferens from CFTR mutation. Last evaluated: 2024-04-15. Review status: criteria provided, single submitter. Criteria: ACMG Guidelines, 2015. Collection method: clinical testing. Allele origin: germline. Not counted in ClinVar's aggregate classification.

Women's Health and Genetics/Laboratory Corporation of America, LabCorp
Classification: Pathogenic for Cystic fibrosis. Last evaluated: 2024-04-10. Review status: criteria provided, single submitter. Criteria: LabCorp Variant Classification Summary - May 2015. Collection method: clinical testing. Allele origin: germline. Not counted in ClinVar's aggregate classification.
Comment: Variant summary: CFTR c.4004T>C (p.Leu1335Pro) results in a non-conservative amino acid change located in the ABC transporter-like domain (IPR003439) and AAA+ ATPase domains of the encoded protein sequence. Five of five in-silico tools predict a damaging effect of the variant on protein function. The variant was absent in 251130 control chromosomes (gnomAD). c.4004T>C has been reported in the literature in multiple individuals affected with Cystic Fibrosis (e.g. Rose_2009, Masica_2015, Ivanov_2018, McCague_2019). These data indicate that the variant is very likely to be associated with disease. At least one publication reports experimental evidence evaluating an impact on protein function, finding that the variant results in a loss of CFTR function (Han_2018). The following publications have been ascertained in the context of this evaluation (PMID: 12815607, 20059485, 15390350, 20163773, 20932301, 23276700, 25489051, 19445912, 29504914, 19734129, 30888834, 30046002). ClinVar contains an entry for this variant (Variation ID: 53872). Based on the evidence outlined above, the variant was classified as pathogenic.

Baylor Genetics
Classification: Pathogenic for Bronchiectasis with or without elevated sweat chloride 1. Last evaluated: 2023-08-02. Review status: criteria provided, single submitter. Criteria: ACMG Guidelines, 2015. Collection method: clinical testing. Allele origin: unknown. Not counted in ClinVar's aggregate classification.

Institute of Human Genetics, University of Leipzig Medical Center
Classification: Likely pathogenic for Cystic fibrosis. Last evaluated: 2022-09-05. Review status: criteria provided, single submitter. Criteria: ACMG Guidelines, 2015. Collection method: curation. Allele origin: unknown. Affected: yes. Observed: 3 variant alleles. Not counted in ClinVar's aggregate classification.
Comment: This variant was identified in 3 unrelated patients with a clinically confirmed diagnosis of cystic fibrosis. The variant was classified in the context of a project re-classifying variants in the German Cystic Fibrosis Registry (Muko.e.V.). Criteria applied: PS3_SUP, PM2_SUP, PM3_STR, PM5, PP3

CFTR-France
Classification: Pathogenic for Cystic fibrosis. Last evaluated: 2020-03-06. Review status: criteria provided, single submitter. Criteria: Claustres M et al. (Hum Mutat 2017). Collection method: curation. Allele origin: germline. Affected: yes. Not counted in ClinVar's aggregate classification.

Genome Diagnostics Laboratory, The Hospital for Sick Children
Classification: Pathogenic for Cystic fibrosis. Last evaluated: 2019-07-23. Review status: criteria provided, single submitter. Criteria: ACMG Guidelines, 2015. Collection method: clinical testing. Allele origin: germline. Not counted in ClinVar's aggregate classification.

Genome Diagnostics Laboratory, The Hospital for Sick Children
Classification: Pathogenic for CFTR-related disorders. Last evaluated: 2019-07-23. Review status: no assertion criteria provided. Collection method: clinical testing. Allele origin: germline. Not counted in ClinVar's aggregate classification.

Counsyl
Classification: Pathogenic for Cystic fibrosis. Last evaluated: 2018-05-29. Review status: no assertion criteria provided. Collection method: clinical testing. Allele origin: unknown. Not counted in ClinVar's aggregate classification.

Literature cited by the submitters: PubMed 30548586 (cited by Natera, Inc.); PubMed 12815607 (cited by 3 submitters); PubMed 12865275 (cited by Ambry Genetics and Counsyl); PubMed 19445912 (cited by 3 submitters); PubMed 20932301 (cited by Ambry Genetics and Women's Health and Genetics/Laboratory Corporation of America, LabCorp); PubMed 23276700 (cited by 3 submitters); PubMed 25489051 (cited by Ambry Genetics and Women's Health and Genetics/Laboratory Corporation of America, LabCorp); PubMed 29504914 (cited by 3 submitters); PubMed 29805046 (cited by Ambry Genetics and Labcorp Genetics (formerly Invitae), Labcorp); PubMed 23974870 (cited by Labcorp Genetics (formerly Invitae), Labcorp); PubMed 20059485 (cited by Women's Health and Genetics/Laboratory Corporation of America, LabCorp); PubMed 15390350 (cited by Women's Health and Genetics/Laboratory Corporation of America, LabCorp); PubMed 20163773 (cited by Women's Health and Genetics/Laboratory Corporation of America, LabCorp); PubMed 19734129 (cited by Women's Health and Genetics/Laboratory Corporation of America, LabCorp); PubMed 30046002 (cited by Women's Health and Genetics/Laboratory Corporation of America, LabCorp); PubMed 30888834 (cited by Women's Health and Genetics/Laboratory Corporation of America, LabCorp).